The following is an entry in ClinVar:

ClinVar aggregate classification (germline): Pathogenic (1 of 4 stars; one submission).

Conditions:
Familial hemophagocytic lymphohistiocytosis 2 (FHL2). Also called: PRF1-Related Familial Hemophagocytic Lymphohistiocytosis (PRF1-fHLH). Identifiers: Orphanet 540, MedGen C1863727, MONDO:0011337, OMIM 603553.

Allele frequency attached by ClinVar (database versions not stated): gnomAD exomes below 0.00001; TOPMed below 0.00001.

Submission:

Labcorp Genetics (formerly Invitae), Labcorp
Classification: Pathogenic for Familial hemophagocytic lymphohistiocytosis 2. Last evaluated: 2023-06-09. Review status: criteria provided, single submitter. Criteria: Invitae Variant Classification Sherloc (09022015). Collection method: clinical testing. Allele origin: germline.
Comment: This variant disrupts a region of the PRF1 protein in which other variant(s) (p.Asp491Asn) have been determined to be pathogenic (PMID: 17477373, 25577959, 33746956). This suggests that this is a clinically significant region of the protein, and that variants that disrupt it are likely to be disease-causing. For these reasons, this variant has been classified as Pathogenic. This variant has not been reported in the literature in individuals affected with PRF1-related conditions. This variant is not present in population databases (gnomAD no frequency). This sequence change creates a premature translational stop signal (p.Trp328*) in the PRF1 gene. While this is not anticipated to result in nonsense mediated decay, it is expected to disrupt the last 228 amino acid(s) of the PRF1 protein.

Literature cited by the submitters: PubMed 17477373; PubMed 25577959; PubMed 33746956.

NM_001083116.3(PRF1):c.984G>A (p.Trp328Ter)

Gene: PRF1 (perforin 1; minus strand). Cytogenetic location: 10q22.1.
Variant type: single nucleotide variant.
Coding change: c.984G>A on transcript NM_001083116.3 (MANE Select); coding-DNA position 984, G replaced by A.
Protein change: p.Trp328Ter; replaces tryptophan 328 with a stop codon.
Molecular consequence: nonsense.
Genome position (GRCh38, 1-based): chr10:70,598,737, C>T on the plus strand (G>A on the coding strand, the complement: PRF1 is on the minus strand). VCF-style: chr10-70598737-C-T. GRCh37 (hg19) VCF-style: chr10-72358493-C-T.
Other names: c.984G>A, p.Trp328Ter (NM_005041.6); short protein forms W328*.
Identifiers: ClinVar variation 2886617 (VCV002886617.3), dbSNP rs1349520883, ClinGen allele CA376957557.